The following is an entry in ClinVar:

NM_000088.4(COL1A1):c.1155+6T>C

Gene: COL1A1 (collagen type I alpha 1 chain; minus strand). Cytogenetic location: 17q21.33.
Variant type: single nucleotide variant.
Coding change: c.1155+6T>C on transcript NM_000088.4 (MANE Select); 6 bases into the intron after coding-DNA position 1155, T replaced by C.
Molecular consequence: intron variant.
Genome position (GRCh38, 1-based): chr17:50,195,561, A>G on the plus strand (T>C on the coding strand, the complement: COL1A1 is on the minus strand). VCF-style: chr17-50195561-A-G. GRCh37 (hg19) VCF-style: chr17-48272922-A-G.
Identifiers: ClinVar variation 3061060 (VCV003061060.3), dbSNP rs1907508197, ClinGen allele CA2263918800.

ClinVar aggregate classification (germline): Uncertain significance. Review status: criteria provided, multiple submitters, no conflicts (2 of 4 stars). 3 submissions from 3 submitters: Uncertain significance (2). 1 of the submissions does not count toward it. Last evaluated 2025-07-16.

Conditions:
COL1A1-related disorder. Also called: COL1A1- related disease; COL1A1-related condition.

Allele frequency attached by ClinVar (database versions not stated): gnomAD exomes 0.00002.
gnomAD v4.1: 14 of 1,614,058 alleles (0.00087%); highest among the groups gnomAD compares: Non-Finnish European, 0.0012%; no homozygotes.

Submissions (3):

Women's Health and Genetics/Laboratory Corporation of America, LabCorp
Classification: Uncertain significance. Last evaluated: 2025-07-16. Review status: criteria provided, single submitter. Criteria: LabCorp Variant Classification Summary - May 2015. Collection method: clinical testing. Allele origin: germline.
Comment: Variant summary: COL1A1 c.1155+6T>C alters a conserved nucleotide located close to a canonical splice site and therefore could affect mRNA splicing, leading to a significantly altered protein sequence. Several computational tools predict a significant impact on normal splicing: One predicts the variant abolishes a canonical 5' splicing donor site and three predict the variant weakens the 5' donor site. However, these predictions have yet to be confirmed by functional studies. The variant was absent in 251418 control chromosomes. The available data on variant occurrences in the general population are insufficient to allow any conclusion about variant significance. To our knowledge, no occurrence of c.1155+6T>C in individuals affected with Osteogenesis imperfecta type I or other COL1A1-related disorders and no experimental evidence demonstrating its impact on protein function have been reported. ClinVar contains an entry for this variant (Variation ID: 3061060). Based on the evidence outlined above, the variant was classified as uncertain significance.

GeneDx
Classification: Uncertain significance. Last evaluated: 2023-12-27. Review status: criteria provided, single submitter. Criteria: GeneDx Variant Classification Process June 2021. Collection method: clinical testing. Allele origin: germline. Affected: yes.
Comment: Has not been previously published as pathogenic or benign to our knowledge; Not observed at significant frequency in large population cohorts (gnomAD); In silico analysis suggests this variant may impact gene splicing. In the absence of RNA/functional studies, the actual effect of this sequence change is unknown.

PreventionGenetics, part of Exact Sciences
Classification: Uncertain significance for COL1A1-related condition. Last evaluated: 2024-02-26. Review status: no assertion criteria provided. Collection method: clinical testing. Allele origin: germline. Not counted in ClinVar's aggregate classification.
Comment: The COL1A1 c.1155+6T>C variant is predicted to interfere with splicing. To our knowledge, this variant has not been reported in the literature or in a large population database, indicating this variant is rare. At this time, the clinical significance of this variant is uncertain due to the absence of conclusive functional and genetic evidence.